The following is an entry in ClinVar:

ClinVar aggregate classification (germline): Uncertain significance. Review status: criteria provided, multiple submitters, no conflicts (2 of 4 stars). 4 submissions from 4 submitters: Uncertain significance (3). 1 of the submissions does not count toward it. Last evaluated 2024-11-02.

Conditions:
ABCG5-related disorder. Also called: ABCG5-related condition.
Cardiovascular phenotype. Identifiers: MedGen CN230736.

Allele frequency attached by ClinVar (database versions not stated): TOPMed 0.00001.
gnomAD v4.1: 24 of 1,613,608 alleles (0.0015%); highest among the groups gnomAD compares: Admixed American, 0.03%; no homozygotes.

Submissions (4):

Ambry Genetics
Classification: Uncertain significance for Cardiovascular phenotype. Last evaluated: 2024-11-02. Review status: criteria provided, single submitter. Criteria: Ambry Variant Classification Scheme 2023. Collection method: clinical testing. Allele origin: germline.
Comment: The p.G10R variant (also known as c.28G>A), located in coding exon 1 of the ABCG5 gene, results from a G to A substitution at nucleotide position 28. The glycine at codon 10 is replaced by arginine, an amino acid with dissimilar properties. This amino acid position is conserved. In addition, this alteration is predicted to be tolerated by in silico analysis. Based on the available evidence, the clinical significance of this variant remains unclear.

Mayo Clinic Laboratories, Mayo Clinic
Classification: Uncertain significance. Last evaluated: 2023-01-12. Review status: criteria provided, single submitter. Criteria: ACMG Guidelines, 2015. Collection method: clinical testing. Allele origin: germline. Observed: 1 variant allele.
Comment: BP4, PM2

Eurofins Ntd Llc (ga)
Classification: Uncertain significance. Last evaluated: 2016-03-28. Review status: criteria provided, single submitter. Criteria: EGL Classification Definitions 2015. Collection method: clinical testing. Allele origin: germline. Observed: 1 variant allele, 1 heterozygote.

PreventionGenetics, part of Exact Sciences
Classification: Uncertain significance for ABCG5-related condition. Last evaluated: 2024-09-11. Review status: no assertion criteria provided. Collection method: clinical testing. Allele origin: germline. Not counted in ClinVar's aggregate classification.
Comment: The ABCG5 c.28G>A variant is predicted to result in the amino acid substitution p.Gly10Arg. To our knowledge, this variant has not been reported in the literature. This variant is reported in 0.043% of alleles in individuals of Latino descent in gnomAD. At this time, the clinical significance of this variant is uncertain due to the absence of conclusive functional and genetic evidence.

NM_022436.3(ABCG5):c.28G>A (p.Gly10Arg)

Gene: ABCG5 (ATP binding cassette subfamily G member 5; minus strand). Cytogenetic location: 2p21.
Variant type: single nucleotide variant.
Coding change: c.28G>A on transcript NM_022436.3 (MANE Select); coding-DNA position 28, G replaced by A.
Protein change: p.Gly10Arg; replaces glycine 10 with arginine.
Molecular consequence: missense variant.
Genome position (GRCh38, 1-based): chr2:43,838,652, C>T on the plus strand (G>A on the coding strand, the complement: ABCG5 is on the minus strand). VCF-style: chr2-43838652-C-T. GRCh37 (hg19) VCF-style: chr2-44065791-C-T.
Other names: p.Gly10Arg; c.28G>A (NM_022436.2); short protein forms G10R.
Identifiers: ClinVar variation 286790 (VCV000286790.8), dbSNP rs761311404, ClinGen allele CA1636818.
Genomic context (GRCh38, chr2:43,838,652, plus strand): 5'-CAGGAGCCCCCTCCAGGGAGCTCTGGGAGCCTCTGTTTACTTGGAGACCCATGGACCCTC[C>T]GGGGGTCAAAGATGAGAGGTCACCCATGGCCAACAGGCAGCAAAGCTGGGCAAATTTTCT-3'
Protein context (NP_071881.1, residues 1-20): MGDLSSLTP[Gly10Arg]GSMGLQVNRG